The following is an entry in ClinVar:

NM_000038.6(APC):c.1204C>T (p.Arg402Cys)

Gene: APC (APC regulator of Wnt signaling pathway; plus strand). Cytogenetic location: 5q22.2.
Variant type: single nucleotide variant.
Coding change: c.1204C>T on transcript NM_000038.6 (MANE Select); coding-DNA position 1204, C replaced by T.
Protein change: p.Arg402Cys; replaces arginine 402 with cysteine.
Molecular consequence: missense variant. On other transcripts: intron variant (4).
Genome position (GRCh38, 1-based): chr5:112,819,236, C>T. VCF-style: chr5-112819236-C-T. GRCh37 (hg19) VCF-style: chr5-112154933-C-T.
Other names: c.1204C>T, p.Arg402Cys (NM_001127510.3, NM_001354895.2, NM_001354896.2); c.1150C>T, p.Arg384Cys (NM_001127511.3); c.1234C>T, p.Arg412Cys (NM_001354897.2); c.1129C>T, p.Arg377Cys (NM_001354898.2); c.1120C>T, p.Arg374Cys (NM_001354899.2); c.1027C>T, p.Arg343Cys (NM_001354900.2, NM_001354901.2); c.355C>T, p.Arg119Cys (NM_001354906.2); c.964-33C>T (NM_001354902.2); and 3 more; short protein forms R384C, R402C, R119C, R412C, R343C, R374C, R377C.
Identifiers: ClinVar variation 233745 (VCV000233745.20), dbSNP rs876660612, ClinGen allele CA10578309.

ClinVar aggregate classification (germline): Uncertain significance. Review status: criteria provided, multiple submitters, no conflicts (2 of 4 stars). 4 submissions from 4 submitters: Uncertain significance (4). Last evaluated 2024-12-05.

Conditions:
Familial adenomatous polyposis 1 (FAP1). Also called: FAMILIAL ADENOMATOUS POLYPOSIS 1, ATTENUATED; POLYPOSIS, ADENOMATOUS INTESTINAL. Identifiers: MedGen C2713442, MONDO:0021056, OMIM 175100. Disease mechanism: loss of function.
Hereditary cancer-predisposing syndrome. Also called: Neoplastic Syndromes, Hereditary; Tumor predisposition; Hereditary Cancer Syndrome; Hereditary neoplastic syndrome. Identifiers: Orphanet 140162, MedGen C0027672, MeSH D009386, MONDO:0015356.

Allele frequency attached by ClinVar (database versions not stated): gnomAD exomes below 0.00001.
gnomAD v4.1: 4 of 1,613,832 alleles (0.00025%); highest among the groups gnomAD compares: South Asian, 0.0011%; no homozygotes.

Submissions (4):

Ambry Genetics
Classification: Uncertain significance for Hereditary cancer-predisposing syndrome. Last evaluated: 2024-12-05. Review status: criteria provided, single submitter. Criteria: Ambry Variant Classification Scheme 2023. Collection method: clinical testing. Allele origin: germline.
Comment: The p.R402C variant (also known as c.1204C>T), located in coding exon 9 of the APC gene, results from a C to T substitution at nucleotide position 1204. The arginine at codon 402 is replaced by cysteine, an amino acid with highly dissimilar properties. This amino acid position is highly conserved in available vertebrate species. In addition, in silico predictors for this gene do not accurately predict pathogenicity. Since supporting evidence is limited at this time, the clinical significance of this alteration remains unclear.

Color Diagnostics, LLC DBA Color Health
Classification: Uncertain significance for Hereditary cancer-predisposing syndrome. Last evaluated: 2024-08-05. Review status: criteria provided, single submitter. Criteria: ACMG Guidelines, 2015. Collection method: clinical testing. Allele origin: germline.
Comment: This missense variant replaces arginine with cysteine at codon 402 of the APC protein. Computational prediction suggests that this variant may not impact protein structure and function (internally defined REVEL score threshold <= 0.5, PMID: 27666373). To our knowledge, functional studies have not been reported for this variant. This variant has not been reported in individuals affected with APC-related disorders in the literature. This variant has not been identified in the general population by the Genome Aggregation Database (gnomAD). The available evidence is insufficient to determine the role of this variant in disease conclusively. Therefore, this variant is classified as a Variant of Uncertain Significance.

GeneDx
Classification: Uncertain significance. Last evaluated: 2024-01-05. Review status: criteria provided, single submitter. Criteria: GeneDx Variant Classification Process June 2021. Collection method: clinical testing. Allele origin: germline. Affected: yes.
Comment: Not observed at significant frequency in large population cohorts (gnomAD); In silico analysis supports that this missense variant has a deleterious effect on protein structure/function; Has not been previously published as pathogenic or benign to our knowledge

Labcorp Genetics (formerly Invitae), Labcorp
Classification: Uncertain significance for Familial adenomatous polyposis 1. Last evaluated: 2023-10-23. Review status: criteria provided, single submitter. Criteria: Invitae Variant Classification Sherloc (09022015). Collection method: clinical testing. Allele origin: germline.
Comment: This sequence change replaces arginine, which is basic and polar, with cysteine, which is neutral and slightly polar, at codon 402 of the APC protein (p.Arg402Cys). This variant is not present in population databases (gnomAD no frequency). This variant has not been reported in the literature in individuals affected with APC-related conditions. ClinVar contains an entry for this variant (Variation ID: 233745). Advanced modeling of protein sequence and biophysical properties (such as structural, functional, and spatial information, amino acid conservation, physicochemical variation, residue mobility, and thermodynamic stability) performed at Invitae indicates that this missense variant is not expected to disrupt APC protein function with a negative predictive value of 95%. In summary, the available evidence is currently insufficient to determine the role of this variant in disease. Therefore, it has been classified as a Variant of Uncertain Significance.